The following is an entry in ClinVar:

NM_001018005.2(TPM1):c.19A>T (p.Lys7Ter)

Gene: TPM1 (tropomyosin 1; plus strand). Cytogenetic location: 15q22.2.
Variant type: single nucleotide variant.
Coding change: c.19A>T on transcript NM_001018005.2 (MANE Select); coding-DNA position 19, A replaced by T.
Protein change: p.Lys7Ter; replaces lysine 7 with a stop codon.
Molecular consequence: nonsense. On other transcripts: non-coding transcript variant (11).
Genome position (GRCh38, 1-based): chr15:63,042,848, A>T. VCF-style: chr15-63042848-A-T. GRCh37 (hg19) VCF-style: chr15-63335047-A-T.
Other names: c.19A>T, p.Lys7Ter (NM_000366.6, NM_001018004.2, NM_001018006.2 and 24 more transcripts); short protein forms K7*.
Identifiers: ClinVar variation 3386129 (VCV003386129.1).

ClinVar aggregate classification (germline): Uncertain significance (1 of 4 stars; one submission).

Conditions:
Hypertrophic cardiomyopathy. Also called: HYPERTROPHIC MYOCARDIOPATHY. Identifiers: Orphanet 217569, MedGen C0007194, MeSH D002312, MONDO:0005045, HP:0001639.

Submission:

All of Us Research Program, National Institutes of Health
Classification: Uncertain significance for Hypertrophic cardiomyopathy. Last evaluated: 2024-05-09. Review status: criteria provided, single submitter. Criteria: ACMG Guidelines, 2015. Collection method: clinical testing. Allele origin: germline. Inheritance: Autosomal dominant inheritance. Observed: 1 variant allele, 1 heterozygote.
Comment: This study involves interpretation of variants in research participants for the purpose of population health screening. Participant phenotype was not available at the time of variant classification. Additional details can be found in publication PMID: 35346344, PMCID: PMC8962531